The following is an entry in ClinVar:

NM_000124.4(ERCC6):c.770del (p.Glu257fs)

Gene: ERCC6 (ERCC excision repair 6, chromatin remodeling factor; minus strand). Cytogenetic location: 10q11.23.
Variant type: Deletion.
Coding change: c.770del on transcript NM_000124.4 (MANE Select); coding-DNA position 770, one base deleted (A; older notation c.770delA).
Protein change: p.Glu257fs; shifts the reading frame from glutamic acid 257.
Molecular consequence: frameshift variant.
Genome position (GRCh38, 1-based): chr10:49,524,660, T deleted on the plus strand (A on the coding strand, the reverse complement: ERCC6 is on the minus strand). VCF-style (leftmost placement, unchanged base first): chr10-49524659-CT-C. GRCh37 (hg19) VCF-style: chr10-50732705-CT-C.
Other names: c.770del, p.Glu257fs (NM_001277058.2, NM_001277059.2, NM_001346440.2); short protein forms E257fs.
Identifiers: ClinVar variation 5012389 (VCV005012389.1).

ClinVar aggregate classification (germline): Pathogenic (1 of 4 stars; one submission).

Conditions:
Cockayne spectrum with or without cerebrooculofacioskeletal syndrome. Identifiers: MedGen CN315928, MONDO:0100506.

Submission:

Myriad Genetics, Inc.
Classification: Pathogenic for Cockayne spectrum with or without cerebrooculofacioskeletal syndrome. Last evaluated: 2023-10-14. Review status: criteria provided, single submitter. Criteria: Myriad Autosomal Dominant, Autosomal Recessive and X-Linked Classification Criteria (2023). Collection method: clinical testing. Allele origin: unknown.
Comment: NM_000124.2(ERCC6):c.770delA(E257Gfs*72) is expected to be pathogenic in the context of ERCC6-related disorders. This variant is predicted to lead to an abnormal or absent protein product due to the creation of a premature termination codon in ERCC6, a gene where loss-of-function variants are known to be pathogenic. Please note: this variant was assessed in the context of healthy population screening.